The following is an entry in ClinVar:

ClinVar aggregate classification (germline): Uncertain significance (1 of 4 stars; one submission).

Allele frequency attached by ClinVar (database versions not stated): gnomAD exomes below 0.00001.
gnomAD v4.1: 2 of 1,613,948 alleles (0.00012%); highest among the groups gnomAD compares: Non-Finnish European, 0.00017%; no homozygotes.

Submission:

Labcorp Genetics (formerly Invitae), Labcorp
Classification: Uncertain significance. Last evaluated: 2021-09-04. Review status: criteria provided, single submitter. Criteria: Invitae Variant Classification Sherloc (09022015). Collection method: clinical testing. Allele origin: germline.
Comment: Algorithms developed to predict the effect of missense changes on protein structure and function are either unavailable or do not agree on the potential impact of this missense change (SIFT: "Deleterious"; PolyPhen-2: "Possibly Damaging"; Align-GVGD: "Class C0"). This variant has not been reported in the literature in individuals affected with ATOH7-related conditions. This variant is not present in population databases (ExAC no frequency). This sequence change replaces alanine with proline at codon 97 of the ATOH7 protein (p.Ala97Pro). The alanine residue is highly conserved and there is a small physicochemical difference between alanine and proline. In summary, the available evidence is currently insufficient to determine the role of this variant in disease. Therefore, it has been classified as a Variant of Uncertain Significance.

NM_145178.4(ATOH7):c.289G>C (p.Ala97Pro)

Gene: ATOH7 (atonal bHLH transcription factor 7; minus strand). Cytogenetic location: 10q21.3.
Variant type: single nucleotide variant.
Coding change: c.289G>C on transcript NM_145178.4 (MANE Select); coding-DNA position 289, G replaced by C.
Protein change: p.Ala97Pro; replaces alanine 97 with proline.
Molecular consequence: missense variant.
Genome position (GRCh38, 1-based): chr10:68,231,389, C>G on the plus strand (G>C on the coding strand, the complement: ATOH7 is on the minus strand). VCF-style: chr10-68231389-C-G. GRCh37 (hg19) VCF-style: chr10-69991146-C-G.
Other names: short protein forms A97P.
Identifiers: ClinVar variation 1371028 (VCV001371028.6), dbSNP rs2134380333, ClinGen allele CA376835743.
Genomic context (GRCh38, chr10:68,231,389, plus strand): 5'-CGAAGTGCTCACAGTGGAGACCCACCCAGTCCCGCTCCGAGCCGAATCGCTCGGCCTCGG[C>G]CAGGATCCGGGTCAGAGCCATGATGTAGCTCAGGGCCATCTGCAGGGTCTCGTACTTGGA-3'
Protein context (NP_660161.1, residues 87-107): SYIMALTRIL[Ala97Pro]EAERFGSERD